The following is an entry in ClinVar:

ClinVar aggregate classification (germline): Uncertain significance (1 of 4 stars; one submission).

Conditions:
3-methylcrotonyl-CoA carboxylase 1 deficiency (MCC1D). Also called: MCCD TYPE 1; METHYLCROTONYLGLYCINURIA TYPE I; MCC 1 deficiency; 3 Alpha methylcrotonylglycinuria 1. Identifiers: Orphanet 6, MedGen CN028786, MONDO:0008861, OMIM 210200.

Allele frequency attached by ClinVar (database versions not stated): gnomAD exomes 0.00001; gnomAD 0.00002; TOPMed 0.00002.
gnomAD v4.1: 11 of 1,614,018 alleles (0.00068%); highest among the groups gnomAD compares: African/African-American, 0.0053%; no homozygotes.

Submission:

Labcorp Genetics (formerly Invitae), Labcorp
Classification: Uncertain significance for 3-methylcrotonyl-CoA carboxylase 1 deficiency. Last evaluated: 2022-02-21. Review status: criteria provided, single submitter. Criteria: Invitae Variant Classification Sherloc (09022015). Collection method: clinical testing. Allele origin: germline.
Comment: This sequence change replaces leucine, which is neutral and non-polar, with valine, which is neutral and non-polar, at codon 637 of the MCCC1 protein (p.Leu637Val). This variant is present in population databases (no rsID available, gnomAD 0.004%). This variant has not been reported in the literature in individuals affected with MCCC1-related conditions. Algorithms developed to predict the effect of missense changes on protein structure and function are either unavailable or do not agree on the potential impact of this missense change (SIFT: "Deleterious"; PolyPhen-2: "Benign"; Align-GVGD: "Class C0"). Algorithms developed to predict the effect of sequence changes on RNA splicing suggest that this variant may create or strengthen a splice site. In summary, the available evidence is currently insufficient to determine the role of this variant in disease. Therefore, it has been classified as a Variant of Uncertain Significance.

NM_020166.5(MCCC1):c.1909T>G (p.Leu637Val)

Gene: MCCC1 (methylcrotonyl-CoA carboxylase subunit 1; minus strand). Cytogenetic location: 3q27.1.
Variant type: single nucleotide variant.
Coding change: c.1909T>G on transcript NM_020166.5 (MANE Select); coding-DNA position 1909, T replaced by G.
Protein change: p.Leu637Val; replaces leucine 637 with valine.
Molecular consequence: missense variant. On other transcripts: non-coding transcript variant (2).
Genome position (GRCh38, 1-based): chr3:183,020,198, A>C on the plus strand (T>G on the coding strand, the complement: MCCC1 is on the minus strand). VCF-style: chr3-183020198-A-C. GRCh37 (hg19) VCF-style: chr3-182737986-A-C.
Other names: c.1558T>G, p.Leu520Val (NM_001293273.2); c.1582T>G, p.Leu528Val (NM_001363880.1); short protein forms L528V, L637V, L520V.
Identifiers: ClinVar variation 2057179 (VCV002057179.1), dbSNP rs983414779, ClinGen allele CA88689350.
Genomic context (GRCh38, chr3:183,020,198, plus strand): 5'-TGGTTCCAGTCATAGGAGCTAAGGGGCCGCCCTGAGTTTCTTGTGAGCTCACAGAAGATA[A>C]GTATTTGGGGACTGGAATGTCAATCTCAATACTTCCTTCCTAGAAACAGAAAACAAACTG-3'
Protein context (NP_064551.3, residues 627-647): IEIDIPVPKY[Leu637Val]SSVSSQETQG